The following is an entry in ClinVar:

ClinVar aggregate classification (germline): Likely pathogenic. Review status: criteria provided, multiple submitters, no conflicts (2 of 4 stars). 2 submissions from 2 submitters: Likely pathogenic (2). Last evaluated 2025-10-29.

Conditions:
Meckel-Gruber syndrome. Also called: Dysencephalia splachnocystica; DYSENCEPHALIA SPLANCHNOCYSTICA; GRUBER SYNDROME. Identifiers: Orphanet 564, MedGen C0265215, MONDO:0018921.
Joubert syndrome. Also called: Familial aplasia of the vermis; CEREBELLOPARENCHYMAL DISORDER IV; JOUBERT-BOLTSHAUSER SYNDROME. Identifiers: Orphanet 475, MedGen C5979921, MONDO:0018772.
Bardet-Biedl syndrome 13 (BBS13). Identifiers: Orphanet 110, MedGen C2673873, MONDO:0014441, OMIM 615990.
Meckel syndrome, type 1 (MKS1). Also called: MECKEL-GRUBER SYNDROME, TYPE 1. Identifiers: Orphanet 564, MedGen C3714506, MONDO:0009571, OMIM 249000.
Joubert syndrome 28 (JBTS28). Identifiers: MedGen C4310705, MONDO:0014928, OMIM 617121.

Allele frequency attached by ClinVar (database versions not stated): gnomAD exomes below 0.00001; TOPMed 0.00001.
gnomAD v4.1: 1 of 1,614,094 alleles (0.000062%); highest among the groups gnomAD compares: Non-Finnish European, 0.000085%; no homozygotes.

Submissions (2):

Labcorp Genetics (formerly Invitae), Labcorp
Classification: Likely pathogenic for Joubert syndrome; Meckel-Gruber syndrome. Last evaluated: 2025-10-29. Review status: criteria provided, single submitter. Criteria: Invitae Variant Classification Sherloc (09022015). Collection method: clinical testing. Allele origin: germline.
Comment: This sequence change affects an acceptor splice site in intron 10 of the MKS1 gene. It is expected to disrupt RNA splicing. Variants that disrupt the donor or acceptor splice site typically lead to a loss of protein function (PMID: 16199547), and loss-of-function variants in MKS1 are known to be pathogenic (PMID: 19466712, 24886560, 26490104). This variant is present in population databases (no rsID available, gnomAD 0.007%). This variant has not been reported in the literature in individuals affected with MKS1-related conditions. ClinVar contains an entry for this variant (Variation ID: 964781). Algorithms developed to predict the effect of sequence changes on RNA splicing suggest that this variant may disrupt the consensus splice site. In summary, the currently available evidence indicates that the variant is pathogenic, but additional data are needed to prove that conclusively. Therefore, this variant has been classified as Likely Pathogenic.

Fulgent Genetics
Classification: Likely pathogenic for Meckel syndrome, type 1; Bardet-Biedl syndrome 13; Joubert syndrome 28. Last evaluated: 2024-06-04. Review status: criteria provided, single submitter. Criteria: ACMG Guidelines, 2015. Collection method: clinical testing. Allele origin: germline.

Literature cited by the submitters: PubMed 16199547 (cited by Labcorp Genetics (formerly Invitae), Labcorp); PubMed 19466712 (cited by Labcorp Genetics (formerly Invitae), Labcorp); PubMed 24886560 (cited by Labcorp Genetics (formerly Invitae), Labcorp); PubMed 26490104 (cited by Labcorp Genetics (formerly Invitae), Labcorp).

NM_017777.4(MKS1):c.959-2A>G

Gene: MKS1 (MKS transition zone complex subunit 1; minus strand). Cytogenetic location: 17q22.
Variant type: single nucleotide variant.
Coding change: c.959-2A>G on transcript NM_017777.4 (MANE Select); the canonical splice acceptor site of the intron before coding-DNA position 959, A replaced by G.
Molecular consequence: splice acceptor variant.
Genome position (GRCh38, 1-based): chr17:58,210,726, T>C on the plus strand (A>G on the coding strand, the complement: MKS1 is on the minus strand). VCF-style: chr17-58210726-T-C. GRCh37 (hg19) VCF-style: chr17-56288087-T-C.
Other names: c.350-2A>G (NM_001321268.2); c.959-2A>G (NM_001330397.2, NM_001321269.2, NM_001411113.1).
Identifiers: ClinVar variation 964781 (VCV000964781.9), dbSNP rs1273591389, ClinGen allele CA400326088.